The following is an entry in ClinVar:

ClinVar aggregate classification (germline): Uncertain significance (1 of 4 stars; one submission).

Submission:

Ambry Genetics
Classification: Uncertain significance. Last evaluated: 2021-08-30. Review status: criteria provided, single submitter. Criteria: Ambry Variant Classification Scheme 2023. Collection method: clinical testing. Allele origin: germline.
Comment: The p.M1342I variant (also known as c.4026G>A), located in coding exon 32 of the PRKDC gene, results from a G to A substitution at nucleotide position 4026. The methionine at codon 1342 is replaced by isoleucine, an amino acid with highly similar properties. This amino acid position is conserved. In addition, the in silico prediction for this alteration is inconclusive. Since supporting evidence is limited at this time, the clinical significance of this alteration remains unclear.

NM_006904.7(PRKDC):c.4026G>A (p.Met1342Ile)

Gene: PRKDC (protein kinase, DNA-activated, catalytic subunit; minus strand). Cytogenetic location: 8q11.21.
Variant type: single nucleotide variant.
Coding change: c.4026G>A on transcript NM_006904.7 (MANE Select); coding-DNA position 4026, G replaced by A.
Protein change: p.Met1342Ile; replaces methionine 1342 with isoleucine.
Molecular consequence: missense variant.
Genome position (GRCh38, 1-based): chr8:47,890,302, C>T on the plus strand (G>A on the coding strand, the complement: PRKDC is on the minus strand). VCF-style: chr8-47890302-C-T. GRCh37 (hg19) VCF-style: chr8-48802863-C-T.
Other names: c.4026G>A, p.Met1342Ile (NM_001081640.2); short protein forms M1342I.
Identifiers: ClinVar variation 1737149 (VCV001737149.2), dbSNP rs2551873920, ClinGen allele CA371148406.